The following is an entry in ClinVar:

ClinVar aggregate classification (germline): Uncertain significance. Review status: criteria provided, multiple submitters, no conflicts (2 of 4 stars). 2 submissions from 2 submitters: Uncertain significance (2). Last evaluated 2024-04-29.

Conditions:
Inborn genetic diseases. Identifiers: MedGen C0950123, MeSH D030342.

Allele frequency attached by ClinVar (database versions not stated): gnomAD 0.00001; TOPMed 0.00001; gnomAD exomes 0.00002; ExAC 0.00005.
gnomAD v4.1: 27 of 1,556,258 alleles (0.0017%); highest among the groups gnomAD compares: Non-Finnish European, 0.001%; no homozygotes.

Submissions (2):

Labcorp Genetics (formerly Invitae), Labcorp
Classification: Uncertain significance. Last evaluated: 2024-04-29. Review status: criteria provided, single submitter. Criteria: Invitae Variant Classification Sherloc (09022015). Collection method: clinical testing. Allele origin: germline.
Comment: This sequence change replaces glutamic acid, which is acidic and polar, with valine, which is neutral and non-polar, at codon 2004 of the TRIOBP protein (p.Glu2004Val). This variant is present in population databases (rs774669846, gnomAD 0.05%). This variant has not been reported in the literature in individuals affected with TRIOBP-related conditions. ClinVar contains an entry for this variant (Variation ID: 2474999). An algorithm developed to predict the effect of missense changes on protein structure and function (PolyPhen-2) suggests that this variant is likely to be disruptive. In summary, the available evidence is currently insufficient to determine the role of this variant in disease. Therefore, it has been classified as a Variant of Uncertain Significance.

Ambry Genetics
Classification: Uncertain significance for Inborn genetic diseases. Last evaluated: 2023-01-10. Review status: criteria provided, single submitter. Criteria: Ambry Variant Classification Scheme 2023. Collection method: clinical testing. Allele origin: germline.

NM_001039141.3(TRIOBP):c.6011A>T (p.Glu2004Val)

Gene: TRIOBP (TRIO and F-actin binding protein; plus strand). Cytogenetic location: 22q13.1.
Variant type: single nucleotide variant.
Coding change: c.6011A>T on transcript NM_001039141.3 (MANE Select); coding-DNA position 6011, A replaced by T.
Protein change: p.Glu2004Val; replaces glutamic acid 2004 with valine.
Molecular consequence: missense variant.
Genome position (GRCh38, 1-based): chr22:37,757,936, A>T. VCF-style: chr22-37757936-A-T. GRCh37 (hg19) VCF-style: chr22-38153943-A-T.
Other names: c.872A>T, p.Glu291Val (NM_007032.5, NM_138632.2); short protein forms E2004V, E291V.
Identifiers: ClinVar variation 2474999 (VCV002474999.4), dbSNP rs774669846, ClinGen allele CA10224860.